The following is an entry in ClinVar:

ClinVar aggregate classification (germline): Likely benign. Review status: criteria provided, multiple submitters, no conflicts (2 of 4 stars). 3 submissions from 3 submitters: Likely benign (2). 1 of the submissions does not count toward it. Last evaluated 2026-02-03.

Conditions:
Severe combined immunodeficiency, autosomal recessive, T cell-negative, B cell-negative, NK cell-positive. Also called: SCID, AR, T-cell negative, B-cell negative, NK cell-positive; Severe combined immunodeficiency due to complete RAG1/2 deficiency; SCID, T CELL-NEGATIVE, B CELL-NEGATIVE, NK CELL-POSITIVE. Identifiers: Orphanet 331206, MedGen C1832322, MONDO:0011086, OMIM 601457.
Combined immunodeficiency with skin granulomas. Identifiers: Orphanet 157949, MedGen C2673536, MONDO:0009306, OMIM 233650.
RAG1-related disorder. Also called: RAG1-related disorders; RAG1-related condition.

Allele frequency attached by ClinVar (database versions not stated): ExAC 0.00005; gnomAD 0.00006 and 0.00007; gnomAD exomes 0.00006 and 0.00014; TOPMed 0.00007; ESP Exome Variant Server 0.00023.
gnomAD v4.1: 207 of 1,614,008 alleles (0.013%); highest among the groups gnomAD compares: Non-Finnish European, 0.017%; no homozygotes.

Submissions (3):

Labcorp Genetics (formerly Invitae), Labcorp
Classification: Likely benign for Combined immunodeficiency with skin granulomas; Severe combined immunodeficiency, autosomal recessive, T cell-negative, B cell-negative, NK cell-positive. Last evaluated: 2026-02-03. Review status: criteria provided, single submitter. Criteria: Invitae Variant Classification Sherloc (09022015). Collection method: clinical testing. Allele origin: germline.

Blueprint Genetics
Classification: Likely benign. Last evaluated: 2023-05-02. Review status: criteria provided, single submitter. Criteria: ACMG Guidelines, 2015. Collection method: clinical testing. Allele origin: germline.

PreventionGenetics, part of Exact Sciences
Classification: Likely benign for RAG1-related condition. Last evaluated: 2023-01-05. Review status: no assertion criteria provided. Collection method: clinical testing. Allele origin: germline. Not counted in ClinVar's aggregate classification.
Comment: This variant is classified as likely benign based on ACMG/AMP sequence variant interpretation guidelines (Richards et al. 2015 PMID: 25741868, with internal and published modifications).

NM_000448.3(RAG1):c.1665C>T (p.Thr555=)

Gene: RAG1 (recombination activating 1; plus strand). Cytogenetic location: 11p12.
Variant type: single nucleotide variant.
Coding change: c.1665C>T on transcript NM_000448.3 (MANE Select); coding-DNA position 1665, C replaced by T.
Protein change: p.Thr555=; no amino-acid change (threonine 555 retained).
Molecular consequence: synonymous variant.
Genome position (GRCh38, 1-based): chr11:36,574,969, C>T. VCF-style: chr11-36574969-C-T. GRCh37 (hg19) VCF-style: chr11-36596519-C-T.
Other names: c.1665C>T, p.Thr555= (NM_001377277.1, NM_001377278.1, NM_001377279.1 and 1 more transcripts).
Identifiers: ClinVar variation 756581 (VCV000756581.12), dbSNP rs141265699, ClinGen allele CA5950169.